The following is an entry in ClinVar:

ClinVar aggregate classification (germline): Uncertain significance (1 of 4 stars; one submission).

gnomAD v4.1: 2 of 1,596,122 alleles (0.00013%); highest among the groups gnomAD compares: East Asian, 0.0023%; no homozygotes.

Submission:

GeneDx
Classification: Uncertain significance. Last evaluated: 2026-03-27. Review status: criteria provided, single submitter. Criteria: GeneDx Variant Classification Process June 2021. Collection method: clinical testing. Allele origin: germline.
Comment: In silico analysis supports that this missense variant has a deleterious effect on protein structure/function; In silico analysis suggests this variant may impact gene splicing. In the absence of RNA/functional studies, the actual effect of this sequence change is unknown.; Has not been previously published as pathogenic or benign to our knowledge

NM_198503.5(KCNT2):c.1125G>A (p.Met375Ile)

Gene: KCNT2 (potassium sodium-activated channel subfamily T member 2; minus strand). Cytogenetic location: 1q31.3.
Variant type: single nucleotide variant.
Coding change: c.1125G>A on transcript NM_198503.5 (MANE Select); coding-DNA position 1125, G replaced by A.
Protein change: p.Met375Ile; replaces methionine 375 with isoleucine.
Molecular consequence: missense variant. On other transcripts: non-coding transcript variant (2).
Genome position (GRCh38, 1-based): chr1:196,423,110, C>T on the plus strand (G>A on the coding strand, the complement: KCNT2 is on the minus strand). VCF-style: chr1-196423110-C-T. GRCh37 (hg19) VCF-style: chr1-196392240-C-T.
Other names: c.1125G>A, p.Met375Ile (NM_001287819.3, NM_001287820.3); short protein forms M375I.
Identifiers: ClinVar variation 5017719 (VCV005017719.1).
Genomic context (GRCh38, chr1:196,423,110, plus strand): 5'-AGATGATGTCCTATCCACTTCACAACGGCTACTGAGAATAAAACAGGCCTCAGCGTCATC[C>T]ATCCTAAATACAGATGGAAAAACAAAATAATCACACACTGAAATATCTACAGGTTTTCTG-3'
Protein context (NP_940905.2, residues 365-385): LKDQDLLRAK[Met375Ile]DDAEACFILS